The following is an entry in ClinVar:

ClinVar aggregate classification (germline): Uncertain significance. Review status: criteria provided, multiple submitters, no conflicts (2 of 4 stars). 2 submissions from 2 submitters: Uncertain significance (2). Last evaluated 2025-10-10.

Conditions:
Atrioventricular septal defect 5 (AVSD5). Identifiers: MedGen C3280939, MONDO:0013769, OMIM 614474.
GATA6-related disorder. Also called: GATA6-related condition.

Allele frequency attached by ClinVar (database versions not stated): TOPMed 0.00002.
gnomAD v4.1: 27 of 1,169,566 alleles (0.0023%); highest among the groups gnomAD compares: Non-Finnish European, 0.0027%; no homozygotes.

Submissions (2):

Labcorp Genetics (formerly Invitae), Labcorp
Classification: Uncertain significance for Atrioventricular septal defect 5. Last evaluated: 2025-10-10. Review status: criteria provided, single submitter. Criteria: Invitae Variant Classification Sherloc (09022015). Collection method: clinical testing. Allele origin: germline.
Comment: This sequence change replaces alanine, which is neutral and non-polar, with valine, which is neutral and non-polar, at codon 257 of the GATA6 protein (p.Ala257Val). This variant is present in population databases (no rsID available, gnomAD 0.007%). This variant has not been reported in the literature in individuals affected with GATA6-related conditions. ClinVar contains an entry for this variant (Variation ID: 2630127). Invitae Evidence Modeling of protein sequence and biophysical properties (such as structural, functional, and spatial information, amino acid conservation, physicochemical variation, residue mobility, and thermodynamic stability) indicates that this missense variant is not expected to disrupt GATA6 protein function with a negative predictive value of 80%. In summary, the available evidence is currently insufficient to determine the role of this variant in disease. Therefore, it has been classified as a Variant of Uncertain Significance.

PreventionGenetics, part of Exact Sciences
Classification: Uncertain significance for GATA6-related condition. Last evaluated: 2025-09-26. Review status: criteria provided, single submitter. Criteria: ACMG Guidelines, 2015. Collection method: clinical testing. Allele origin: germline.
Comment: The GATA6 c.770C>T variant is predicted to result in the amino acid substitution p.Ala257Val. To our knowledge, this variant has not been reported in the literature. This variant is reported in 0.0072% of alleles in individuals of European (non-Finnish) descent in gnomAD. At this time, the clinical significance of this variant is uncertain due to the absence of conclusive functional and genetic evidence.

NM_005257.6(GATA6):c.770C>T (p.Ala257Val)

Gene: GATA6 (GATA binding protein 6; plus strand). Cytogenetic location: 18q11.2.
Variant type: single nucleotide variant.
Coding change: c.770C>T on transcript NM_005257.6 (MANE Select); coding-DNA position 770, C replaced by T.
Protein change: p.Ala257Val; replaces alanine 257 with valine.
Molecular consequence: missense variant.
Genome position (GRCh38, 1-based): chr18:22,171,914, C>T. VCF-style: chr18-22171914-C-T. GRCh37 (hg19) VCF-style: chr18-19751875-C-T.
Other names: short protein forms A257V.
Identifiers: ClinVar variation 2630127 (VCV002630127.3), dbSNP rs929089960, ClinGen allele CA297147874.